The following is an entry in ClinVar:

NM_198586.3(NHLRC1):c.845C>T (p.Pro282Leu)

Gene: NHLRC1 (NHL repeat containing E3 ubiquitin protein ligase 1; minus strand). Cytogenetic location: 6p22.3.
Variant type: single nucleotide variant.
Coding change: c.845C>T on transcript NM_198586.3 (MANE Select); coding-DNA position 845, C replaced by T.
Protein change: p.Pro282Leu; replaces proline 282 with leucine.
Molecular consequence: missense variant.
Genome position (GRCh38, 1-based): chr6:18,121,762, G>A on the plus strand (C>T on the coding strand, the complement: NHLRC1 is on the minus strand). VCF-style: chr6-18121762-G-A. GRCh37 (hg19) VCF-style: chr6-18121993-G-A.
Other names: short protein forms P282L.
Identifiers: ClinVar variation 1360234 (VCV001360234.8), dbSNP rs2150702844, ClinGen allele CA362825969.

ClinVar aggregate classification (germline): Uncertain significance (1 of 4 stars; one submission).

Conditions:
Lafora disease. Also called: Epilepsy progressive myoclonic 2; Progressive Myoclonus Epilepsy, Lafora Type. Identifiers: Orphanet 501, MedGen C0751783, MONDO:0009697.

Submission:

Labcorp Genetics (formerly Invitae), Labcorp
Classification: Uncertain significance for Lafora disease. Last evaluated: 2025-02-24. Review status: criteria provided, single submitter. Criteria: Invitae Variant Classification Sherloc (09022015). Collection method: clinical testing. Allele origin: germline.
Comment: This sequence change replaces proline, which is neutral and non-polar, with leucine, which is neutral and non-polar, at codon 282 of the NHLRC1 protein (p.Pro282Leu). This variant is not present in population databases (gnomAD no frequency). This variant has not been reported in the literature in individuals affected with NHLRC1-related conditions. ClinVar contains an entry for this variant (Variation ID: 1360234). Invitae Evidence Modeling of protein sequence and biophysical properties (such as structural, functional, and spatial information, amino acid conservation, physicochemical variation, residue mobility, and thermodynamic stability) indicates that this missense variant is not expected to disrupt NHLRC1 protein function with a negative predictive value of 95%. In summary, the available evidence is currently insufficient to determine the role of this variant in disease. Therefore, it has been classified as a Variant of Uncertain Significance.